The following is an entry in ClinVar:

NM_153717.3(EVC):c.1886+202G>C

Gene: EVC (EvC ciliary complex subunit 1; plus strand). Cytogenetic location: 4p16.2.
Variant type: single nucleotide variant.
Coding change: c.1886+202G>C on transcript NM_153717.3 (MANE Select); 202 bases into the intron after coding-DNA position 1886, G replaced by C.
Molecular consequence: intron variant.
Genome position (GRCh38, 1-based): chr4:5,793,919, G>C. VCF-style: chr4-5793919-G-C. GRCh37 (hg19) VCF-style: chr4-5795646-G-C.
Other names: c.1886+202G>C (NM_001306090.2).
Identifiers: ClinVar variation 669957 (VCV000669957.1), dbSNP rs41269561, ClinGen allele CA11744182.

ClinVar aggregate classification (germline): Benign (1 of 4 stars; one submission).

Allele frequency attached by ClinVar (database versions not stated): 1000 Genomes Project 0.06889; 1000 Genomes Project 30x 0.07464; gnomAD 0.08534 and 0.08909; TOPMed 0.09165.
gnomAD v4.1: 12,937 of 152,062 alleles (8.5%); highest among the groups gnomAD compares: African/African-American, 16%; 732 homozygotes.

Submission:

GeneDx
Classification: Benign. Last evaluated: 2018-06-17. Review status: criteria provided, single submitter. Criteria: GeneDx Variant Classification (06012015). Collection method: clinical testing. Allele origin: germline. Affected: yes.
Comment: This variant is considered likely benign or benign based on one or more of the following criteria: it is a conservative change, it occurs at a poorly conserved position in the protein, it is predicted to be benign by multiple in silico algorithms, and/or has population frequency not consistent with disease.